The following is an entry in ClinVar:

NM_022455.5(NSD1):c.5721dup (p.Asp1908fs)

Gene: NSD1 (nuclear receptor binding SET domain protein 1; plus strand). Cytogenetic location: 5q35.3.
Variant type: Duplication.
Coding change: c.5721dup on transcript NM_022455.5 (MANE Select); coding-DNA position 5721, one base duplicated (A; older notation c.5721dupA).
Protein change: p.Asp1908fs; shifts the reading frame from aspartic acid 1908.
Molecular consequence: frameshift variant.
Genome position (GRCh38, 1-based): chr5:177,280,663, A duplicated. VCF-style (leftmost placement, unchanged base first): chr5-177280662-T-TA. GRCh37 (hg19) VCF-style: chr5-176707663-T-TA.
Other names: c.5721dupA (NM_022455.4); c.4848dup, p.Asp1617Argfs (NM_001365684.2, NM_001409308.1, NM_001409309.1 and 1 more transcripts); c.5721dup, p.Asp1908Argfs (NM_001409301.1, NM_001409302.1, NM_001409303.1); c.5301dup, p.Asp1768Argfs (NM_001409304.1); c.4968dup, p.Asp1657Argfs (NM_001409305.1); c.4959dup, p.Asp1654Argfs (NM_001409306.1, NM_001409307.1); short protein forms D1639fs, D1908fs.
Identifiers: ClinVar variation 817710 (VCV000817710.1), dbSNP rs1581527566, ClinGen allele CA915942758.

ClinVar aggregate classification (germline): Pathogenic (1 of 4 stars; one submission).

Submission:

GeneDx
Classification: Pathogenic. Last evaluated: 2018-06-26. Review status: criteria provided, single submitter. Criteria: GeneDx Variant Classification (06012015). Collection method: clinical testing. Allele origin: germline. Affected: yes.
Comment: The c.5721dupA pathogenic variant in the NSD1 gene causes a frameshift starting with codon Aspartic acid 1908, changes this amino acid to an Arginine residue and creates a premature Stop codon at position 3 of the new reading frame, denoted p.Asp1908ArgfsX3. This pathogenic variant is predicted to cause loss of normal protein function either through protein truncation or nonsense-mediated mRNA decay. The c.5721dupA variant is not observed in large population cohorts (Lek et al., 2016).